The following is an entry in ClinVar:

NM_153026.3(PRICKLE1):c.1389A>C (p.Ala463=)

Gene: PRICKLE1 (prickle planar cell polarity protein 1; minus strand). Cytogenetic location: 12q12.
Variant type: single nucleotide variant.
Coding change: c.1389A>C on transcript NM_153026.3 (MANE Select); coding-DNA position 1389, A replaced by C.
Protein change: p.Ala463=; no amino-acid change (alanine 463 retained).
Molecular consequence: synonymous variant.
Genome position (GRCh38, 1-based): chr12:42,464,645, T>G on the plus strand (A>C on the coding strand, the complement: PRICKLE1 is on the minus strand). VCF-style: chr12-42464645-T-G. GRCh37 (hg19) VCF-style: chr12-42858447-T-G.
Other names: c.1389A>C, p.Ala463= (NM_001144881.2, NM_001144882.2, NM_001144883.2).
Identifiers: ClinVar variation 5002611 (VCV005002611.1).

ClinVar aggregate classification (germline): Likely benign (1 of 4 stars; one submission).

Conditions:
PRICKLE1-related disorder. Also called: PRICKLE1-related condition; PRICKLE1-Related Disorders. Identifiers: MedGen CN381536.

gnomAD v4.1: 1 of 1,614,070 alleles (0.000062%); highest among the groups gnomAD compares: South Asian, 0.0011%; no homozygotes.

Submission:

PreventionGenetics, part of Exact Sciences
Classification: Likely benign for PRICKLE1-related condition. Last evaluated: 2026-04-12. Review status: criteria provided, single submitter. Criteria: ACMG Guidelines, 2015. Collection method: clinical testing. Allele origin: germline.
Comment: This variant is classified as likely benign based on ACMG/AMP sequence variant interpretation guidelines (Richards et al. 2015 PMID: 25741868, with internal and published modifications).